The following is an entry in ClinVar:

NM_018129.4(PNPO):c.684C>T (p.Asp228=)

Gene: PNPO (pyridoxamine 5'-phosphate oxidase; plus strand). Cytogenetic location: 17q21.32.
Variant type: single nucleotide variant.
Coding change: c.684C>T on transcript NM_018129.4 (MANE Select); coding-DNA position 684, C replaced by T.
Protein change: p.Asp228=; no amino-acid change (aspartic acid 228 retained).
Molecular consequence: synonymous variant.
Genome position (GRCh38, 1-based): chr17:47,946,680, C>T. VCF-style: chr17-47946680-C-T. GRCh37 (hg19) VCF-style: chr17-46024046-C-T.
Identifiers: ClinVar variation 507659 (VCV000507659.1), dbSNP rs1555563380, ClinGen allele CA500453967.
Genomic context (GRCh38, chr17:47,946,680, plus strand): 5'-CTATGTCCTGTACCCTCAGGTGATGGAGTTCTGGCAAGGTCAAACCAACCGCCTGCATGA[C>T]CGGATAGTCTTTCGGCGGGGCCTACCCACAGGAGATTCCCCTTTGGGGCCCATGACCCAC-3'
Protein context (NP_060599.1, residues 218-238): FWQGQTNRLH[Asp228=]RIVFRRGLPT

ClinVar aggregate classification (germline): Likely benign (1 of 4 stars; one submission).

Submission:

GeneDx
Classification: Likely benign. Last evaluated: 2017-03-02. Review status: criteria provided, single submitter. Criteria: GeneDx Variant Classification (06012015). Collection method: clinical testing. Allele origin: germline. Affected: yes.
Comment: This variant is considered likely benign or benign based on one or more of the following criteria: it is a conservative change, it occurs at a poorly conserved position in the protein, it is predicted to be benign by multiple in silico algorithms, and/or has population frequency not consistent with disease.